The following is an entry in ClinVar:

NM_006502.3(POLH):c.2060G>A (p.Ser687Asn)

Gene: POLH (DNA polymerase eta; plus strand). Cytogenetic location: 6p21.1.
Variant type: single nucleotide variant.
Coding change: c.2060G>A on transcript NM_006502.3 (MANE Select); coding-DNA position 2060, G replaced by A.
Protein change: p.Ser687Asn; replaces serine 687 with asparagine.
Molecular consequence: missense variant. On other transcripts: 3 prime UTR variant (1).
Genome position (GRCh38, 1-based): chr6:43,614,475, G>A. VCF-style: chr6-43614475-G-A. GRCh37 (hg19) VCF-style: chr6-43582212-G-A.
Other names: c.1688G>A, p.Ser563Asn (NM_001291969.2); c.*744G>A (NM_001291970.2); short protein forms S563N, S687N.
Identifiers: ClinVar variation 4768575 (VCV004768575.1).

ClinVar aggregate classification (germline): Uncertain significance (1 of 4 stars; one submission).

gnomAD v4.1: 2 of 1,613,998 alleles (0.00012%); highest among the groups gnomAD compares: Admixed American, 0.0017%; no homozygotes.

Submission:

Labcorp Genetics (formerly Invitae), Labcorp
Classification: Uncertain significance. Last evaluated: 2025-03-18. Review status: criteria provided, single submitter. Criteria: Invitae Variant Classification Sherloc (09022015). Collection method: clinical testing. Allele origin: germline.
Comment: This sequence change replaces serine, which is neutral and polar, with asparagine, which is neutral and polar, at codon 687 of the POLH protein (p.Ser687Asn). This variant is not present in population databases (gnomAD no frequency). This variant has not been reported in the literature in individuals affected with POLH-related conditions. An algorithm developed to predict the effect of missense changes on protein structure and function (PolyPhen-2) suggests that this variant is likely to be disruptive. In summary, the available evidence is currently insufficient to determine the role of this variant in disease. Therefore, it has been classified as a Variant of Uncertain Significance.